The following is an entry in ClinVar:

ClinVar aggregate classification (germline): Uncertain significance (1 of 4 stars; one submission).

Conditions:
5-Oxoprolinase deficiency (OPLAHD). Also called: 5-OXOPROLINURIA DUE TO 5-OXOPROLINASE DEFICIENCY. Identifiers: Orphanet 33572, MedGen C0268525, MONDO:0009825, OMIM 260005, HP:0040142.

Allele frequency attached by ClinVar (database versions not stated): gnomAD 0.00001; TOPMed 0.00002.
gnomAD v4.1: 2 of 1,602,826 alleles (0.00012%); highest among the groups gnomAD compares: Admixed American, 0.0034%; no homozygotes.

Submission:

Labcorp Genetics (formerly Invitae), Labcorp
Classification: Uncertain significance for 5-Oxoprolinase deficiency. Last evaluated: 2023-10-13. Review status: criteria provided, single submitter. Criteria: Invitae Variant Classification Sherloc (09022015). Collection method: clinical testing. Allele origin: germline.
Comment: This sequence change replaces glutamine, which is neutral and polar, with proline, which is neutral and non-polar, at codon 976 of the OPLAH protein (p.Gln976Pro). This variant is not present in population databases (gnomAD no frequency). This variant has not been reported in the literature in individuals affected with OPLAH-related conditions. ClinVar contains an entry for this variant (Variation ID: 1442025). Experimental studies and prediction algorithms are not available or were not evaluated, and the functional significance of this variant is currently unknown. Algorithms developed to predict the effect of sequence changes on RNA splicing suggest that this variant may disrupt the consensus splice site. In summary, the available evidence is currently insufficient to determine the role of this variant in disease. Therefore, it has been classified as a Variant of Uncertain Significance.

NM_017570.5(OPLAH):c.2927A>C (p.Gln976Pro)

Gene: OPLAH (5-oxoprolinase, ATP-hydrolysing; minus strand). Cytogenetic location: 8q24.3.
Variant type: single nucleotide variant.
Coding change: c.2927A>C on transcript NM_017570.5 (MANE Select); coding-DNA position 2927, A replaced by C.
Protein change: p.Gln976Pro; replaces glutamine 976 with proline.
Molecular consequence: missense variant.
Genome position (GRCh38, 1-based): chr8:144,053,074, T>G on the plus strand (A>C on the coding strand, the complement: OPLAH is on the minus strand). VCF-style: chr8-144053074-T-G. GRCh37 (hg19) VCF-style: chr8-145107977-T-G.
Other names: short protein forms Q976P.
Identifiers: ClinVar variation 1442025 (VCV001442025.6), dbSNP rs1235708168, ClinGen allele CA372537630.